The following is an entry in ClinVar:

ClinVar aggregate classification (germline): Uncertain significance. Review status: criteria provided, multiple submitters, no conflicts (2 of 4 stars). 3 submissions from 3 submitters: Uncertain significance (3). Last evaluated 2023-05-04.

Conditions:
Hereditary cancer-predisposing syndrome. Also called: Tumor predisposition; Hereditary neoplastic syndrome; Hereditary Cancer Syndrome; Neoplastic Syndromes, Hereditary. Identifiers: Orphanet 140162, MedGen C0027672, MeSH D009386, MONDO:0015356.

Submissions (3):

Ambry Genetics
Classification: Uncertain significance for Hereditary cancer-predisposing syndrome. Last evaluated: 2023-05-04. Review status: criteria provided, single submitter. Criteria: Ambry Variant Classification Scheme 2023. Collection method: clinical testing. Allele origin: germline.
Comment: The p.D1511G variant (also known as c.4532A>G), located in coding exon 29 of the ATM gene, results from an A to G substitution at nucleotide position 4532. The aspartic acid at codon 1511 is replaced by glycine, an amino acid with similar properties. This amino acid position is conserved. In addition, this alteration is predicted to be tolerated by in silico analysis. Since supporting evidence is limited at this time, the clinical significance of this alteration remains unclear.

Color Diagnostics, LLC DBA Color Health
Classification: Uncertain significance for Hereditary cancer-predisposing syndrome. Last evaluated: 2020-09-28. Review status: criteria provided, single submitter. Criteria: ACMG Guidelines, 2015. Collection method: clinical testing. Allele origin: germline.
Comment: This missense variant replaces aspartic acid with glycine at codon 1511 of the ATM protein. Computational prediction suggests that this variant may not impact protein structure and function (internally defined REVEL score threshold <= 0.5, PMID: 27666373). To our knowledge, functional studies have not been reported for this variant. This variant has not been reported in individuals affected with hereditary cancer in the literature. This variant has not been identified in the general population by the Genome Aggregation Database (gnomAD). The available evidence is insufficient to determine the role of this variant in disease conclusively. Therefore, this variant is classified as a Variant of Uncertain Significance.

Genetic Services Laboratory, University of Chicago
Classification: Uncertain significance. Last evaluated: 2019-07-19. Review status: criteria provided, single submitter. Criteria: ACMG Guidelines, 2015. Collection method: clinical testing. Allele origin: germline. Affected: no.

NM_000051.4(ATM):c.4532A>G (p.Asp1511Gly)

Gene: ATM (ATM serine/threonine kinase; plus strand). Cytogenetic location: 11q22.3.
Variant type: single nucleotide variant.
Coding change: c.4532A>G on transcript NM_000051.4 (MANE Select); coding-DNA position 4532, A replaced by G.
Protein change: p.Asp1511Gly; replaces aspartic acid 1511 with glycine.
Molecular consequence: missense variant.
Genome position (GRCh38, 1-based): chr11:108,292,714, A>G. VCF-style: chr11-108292714-A-G. GRCh37 (hg19) VCF-style: chr11-108163441-A-G.
Other names: c.4532A>G, p.Asp1511Gly (NM_001351834.2); short protein forms D1511G.
Identifiers: ClinVar variation 1172389 (VCV001172389.8), dbSNP rs1591674356, ClinGen allele CA382533710.
Genomic context (GRCh38, chr11:108,292,714, plus strand): 5'-TCTCCCTTTGTTGTGACTTATTAAGTCAGGTTTGCCAGACAGCCGTGACTTACTGTAAGG[A>G]TGCTCTAGAAAACCATCTTCATGTTATTGTTGGTACACTTATACCCCTTGTGTATGAGCA-3'
Protein context (NP_000042.3, residues 1501-1521): VCQTAVTYCK[Asp1511Gly]ALENHLHVIV